The following is an entry in ClinVar:

NM_013266.4(CTNNA3):c.1502C>T (p.Thr501Ile)

Gene: CTNNA3 (catenin alpha 3; minus strand). Cytogenetic location: 10q21.3.
Variant type: single nucleotide variant.
Coding change: c.1502C>T on transcript NM_013266.4 (MANE Select); coding-DNA position 1502, C replaced by T.
Protein change: p.Thr501Ile; replaces threonine 501 with isoleucine.
Molecular consequence: missense variant.
Genome position (GRCh38, 1-based): chr10:66,520,646, G>A on the plus strand (C>T on the coding strand, the complement: CTNNA3 is on the minus strand). VCF-style: chr10-66520646-G-A. GRCh37 (hg19) VCF-style: chr10-68280404-G-A.
Other names: c.1502C>T, p.Thr501Ile (NM_001127384.3); short protein forms T501I.
Identifiers: ClinVar variation 3657242 (VCV003657242.2).

ClinVar aggregate classification (germline): Uncertain significance (1 of 4 stars; one submission).

Conditions:
Arrhythmogenic right ventricular dysplasia 13. Also called: ARRHYTHMOGENIC RIGHT VENTRICULAR CARDIOMYOPATHY 13; Arrhythmogenic right ventricular dysplasia, familial, 13. Identifiers: MedGen C3810138, MONDO:0000908, OMIM 615616.

Submission:

Labcorp Genetics (formerly Invitae), Labcorp
Classification: Uncertain significance for Arrhythmogenic right ventricular dysplasia 13. Last evaluated: 2024-06-26. Review status: criteria provided, single submitter. Criteria: Invitae Variant Classification Sherloc (09022015). Collection method: clinical testing. Allele origin: germline.
Comment: This sequence change replaces threonine, which is neutral and polar, with isoleucine, which is neutral and non-polar, at codon 501 of the CTNNA3 protein (p.Thr501Ile). This variant is not present in population databases (gnomAD no frequency). This variant has not been reported in the literature in individuals affected with CTNNA3-related conditions. Advanced modeling of protein sequence and biophysical properties (such as structural, functional, and spatial information, amino acid conservation, physicochemical variation, residue mobility, and thermodynamic stability) performed at Invitae indicates that this missense variant is not expected to disrupt CTNNA3 protein function with a negative predictive value of 80%. In summary, the available evidence is currently insufficient to determine the role of this variant in disease. Therefore, it has been classified as a Variant of Uncertain Significance.